The following continues an entry in ClinVar:

NM_000035.4(ALDOB):c.1013C>T (p.Ala338Val)

Gene: ALDOB. ClinVar aggregate classification (germline): Pathogenic/Likely pathogenic. Pathogenic (16); Likely pathogenic (4).

Submissions 12 to 23 of 23:

Women's Health and Genetics/Laboratory Corporation of America, LabCorp
Classification: Pathogenic for Hereditary fructosuria. Last evaluated: 2022-05-19. Review status: criteria provided, single submitter. Criteria: LabCorp Variant Classification Summary - May 2015. Collection method: clinical testing. Allele origin: germline.
Comment: Variant summary: ALDOB c.1013C>T (p.Ala338Val) results in a non-conservative amino acid change in the encoded protein sequence. Five of five in-silico tools predict a damaging effect of the variant on protein function. The variant allele was found at a frequency of 0.00015 in 249676 control chromosomes. This frequency is not significantly higher than expected for a pathogenic variant in ALDOB causing Hereditary Fructose Intolerance (0.00015 vs 0.0045), allowing no conclusion about variant significance. c.1013C>T has been reported in the literature as homozygous and compound heterozygous genotypes in multiple individuals affected with Hereditary Fructose Intolerance (example, Rellos_1999, Gunduz_2021). These data indicate that the variant is very likely to be associated with disease. At least one publication reports experimental evidence evaluating an impact on protein function (Rellos_1999). The most pronounced variant effect results in preferentially decreased affinity and activity towards its specific F-1-P substrate. Seven clinical diagnostic laboratories have submitted clinical-significance assessments for this variant to ClinVar after 2014 without evidence for independent evaluation. All laboratories classified the variant as pathogenic/likely pathogenic. Based on the evidence outlined above, the variant was classified as pathogenic.

Genetics and Genomic Medicine Centre, NeuroGen Healthcare, NeuroGen Healthcare
Classification: Pathogenic for Hereditary fructosuria. Last evaluated: 2021-06-06. Review status: criteria provided, single submitter. Criteria: Submitter's publication. Collection method: clinical testing. Allele origin: unknown. Affected: no.

CeGaT Center for Human Genetics Tuebingen
Classification: Likely pathogenic. Last evaluated: 2020-02-01. Review status: criteria provided, single submitter. Criteria: CeGaT Center For Human Genetics Tuebingen Variant Classification Criteria Version 2. Collection method: clinical testing. Allele origin: germline. Affected: yes. Observed: 3 variant alleles.

Genomic Research Center, Shahid Beheshti University of Medical Sciences
Classification: Likely pathogenic for Hereditary fructosuria. Last evaluated: 2018-03-05. Review status: criteria provided, single submitter. Criteria: ACMG Guidelines, 2015. Collection method: clinical testing. Allele origin: inherited. Affected: yes. Observed: 2 variant alleles.

Eurofins Ntd Llc (ga)
Classification: Pathogenic. Last evaluated: 2017-05-08. Review status: criteria provided, single submitter. Criteria: EGL Classification Definitions 2015. Collection method: clinical testing. Allele origin: germline. Observed: 1 variant allele, 1 heterozygote.

CENTOGENE GmbH and LLC - Guiding Precision Medicine
Classification: Pathogenic for Hereditary fructosuria. Review status: criteria provided, single submitter. Criteria: ACMG Guidelines, 2015. Collection method: clinical testing. Allele origin: germline. Affected: yes.

Juno Genomics, Hangzhou Juno Genomics, Inc
Classification: Likely pathogenic for Hereditary fructosuria. Review status: criteria provided, single submitter. Criteria: ACMG Guidelines, 2015. Collection method: clinical testing. Allele origin: germline.
Comment: Absent from controls (or at extremely low frequency if recessive) in Genome Aggregation Database.;Multiple lines of computational evidence support a deleterious effect on the gene or gene product.;For recessive disorders, detected in trans with a pathogenic variant.;Patient's phenotype or family history is highly specific for a disease with a single genetic etiology.

Kariminejad - Najmabadi Pathology & Genetics Center
Classification: Likely pathogenic for Hereditary fructosuria. Review status: criteria provided, single submitter. Criteria: ACMG Guidelines, 2015. Collection method: clinical testing. Allele origin: germline. Affected: no.

Neuberg Centre For Genomic Medicine, NCGM
Classification: Pathogenic for Hereditary fructosuria. Review status: criteria provided, single submitter. Criteria: ACMG Guidelines, 2015. Collection method: clinical testing. Allele origin: germline. Inheritance: Autosomal recessive inheritance. Affected: yes.
Comment: The missense c.1013C>T(p.Ala338Val) variant in ALDOB gene has been reported previously in homozygous and compound heterozygous states in multiple individuals affected with hereditary fructose intolerance (Gunduz M, et al., 2021; Bijarnia-Mahay S, et al., 2015). Experimental studies have shown that this missense change affects ALDOB function (Rellos P, et al., 1999). The p.Ala338Val variant is present with allele frequency of 0.01% in gnomAD Exomes. This variant has been reported to the ClinVar database as Likely Pathogenic / Pathogenic. Multiple lines of computational evidences (Polyphen - Probably damaging, SIFT - Damaging and MutationTaster - Disease causing) predict a damaging effect on protein structure and function for this variant. The reference amino acid at this position on ALDOB gene is predicted as conserved by GERP++ and PhyloP across 100 vertebrates. The amino acid Ala at position 338 is changed to a Val changing protein sequence and it might alter its composition and physico-chemical properties. For these reasons, this variant has been classified as Pathogenic.

ATS em Genética Clínica, Universidade Federal do Rio Grande do Sul
Classification: Pathogenic for Hereditary fructosuria. Last evaluated: 2021-03-18. Review status: no assertion criteria provided. Collection method: literature only. Allele origin: unknown. Affected: yes. Not counted in ClinVar's aggregate classification.

Counsyl
Classification: Likely pathogenic for Hereditary fructosuria. Last evaluated: 2014-03-28. Review status: no assertion criteria provided. Collection method: literature only. Allele origin: unknown. Inheritance: Autosomal recessive inheritance. Not counted in ClinVar's aggregate classification.

GeneReviews
No classification provided. Condition: Hereditary fructosuria. Review status: no classification provided. Collection method: literature only. Allele origin: germline. Not counted in ClinVar's aggregate classification.
Comment: One of the six most common HFI variants in US and European populations including Turkey, Spain, Central Europe, France, US, and Italy

Literature cited by the submitters: PubMed 9610797 (cited by 4 submitters); PubMed 25595217 (cited by 4 submitters); PubMed 10229688 (cited by 3 submitters); PubMed 31343797 (cited by Natera, Inc.); PubMed 36028839 (cited by Natera, Inc.); PubMed 18541450 (cited by 4 submitters); PubMed 34162028 (cited by Dasa and Women's Health and Genetics/Laboratory Corporation of America, LabCorp); PubMed 20848650 (cited by 3 submitters); PubMed 32860008 (cited by CENTOGENE GmbH and LLC - Guiding Precision Medicine); PubMed 15532022 (cited by Counsyl); PubMed 10024431 (cited by Counsyl); PubMed 11757579 (cited by GeneReviews); PubMed 12205126 (cited by GeneReviews); PubMed 15880727 (cited by GeneReviews); PubMed 20033295 (cited by GeneReviews); PubMed 23430936 (cited by GeneReviews).